The following is an entry in ClinVar:

NM_001369.3(DNAH5):c.7420G>T (p.Glu2474Ter)

Gene: DNAH5 (dynein axonemal heavy chain 5; minus strand). Cytogenetic location: 5p15.2.
Variant type: single nucleotide variant.
Coding change: c.7420G>T on transcript NM_001369.3 (MANE Select); coding-DNA position 7420, G replaced by T.
Protein change: p.Glu2474Ter; replaces glutamic acid 2474 with a stop codon.
Molecular consequence: nonsense.
Genome position (GRCh38, 1-based): chr5:13,810,248, C>A on the plus strand (G>T on the coding strand, the complement: DNAH5 is on the minus strand). VCF-style: chr5-13810248-C-A. GRCh37 (hg19) VCF-style: chr5-13810357-C-A.
Other names: short protein forms E2474*.
Identifiers: ClinVar variation 2761828 (VCV002761828.3), dbSNP rs776559491, ClinGen allele CA359232503.
Genomic context (GRCh38, chr5:13,810,248, plus strand): 5'-CCCCCGCGCTCCACAGCAGCGCGAACACGAACAGCCGCCCCAGGTGAGCCTGGCTCACCT[C>A]CCCGCCTTGCTCCTGAGAAGGAAAGACACTTTTTTTTAATAACTTGATTCTGAAACCCAA-3'

ClinVar aggregate classification (germline): Pathogenic (1 of 4 stars; one submission).

Conditions:
Primary ciliary dyskinesia. Also called: Ciliary dyskinesia. Identifiers: Orphanet 244, MedGen C0008780, MONDO:0016575, HP:0012265.

Submission:

Labcorp Genetics (formerly Invitae), Labcorp
Classification: Pathogenic for Primary ciliary dyskinesia. Last evaluated: 2023-09-19. Review status: criteria provided, single submitter. Criteria: Invitae Variant Classification Sherloc (09022015). Collection method: clinical testing. Allele origin: germline.
Comment: For these reasons, this variant has been classified as Pathogenic. This sequence change creates a premature translational stop signal (p.Glu2474*) in the DNAH5 gene. It is expected to result in an absent or disrupted protein product. Loss-of-function variants in DNAH5 are known to be pathogenic (PMID: 11788826, 16627867). This variant is not present in population databases (gnomAD no frequency). This variant has not been reported in the literature in individuals affected with DNAH5-related conditions.

Literature cited by the submitters: PubMed 11788826; PubMed 16627867.